The following is an entry in ClinVar:

ClinVar aggregate classification (germline): Likely benign. Review status: criteria provided, single submitter (1 of 4 stars). 3 submissions from 3 submitters: Likely benign (1). 2 of the submissions do not count toward it. Last evaluated 2024-01-05.

Conditions:
Maple syrup urine disease (MSUD). Identifiers: Orphanet 511, MedGen C0024776, MeSH D008375, MONDO:0009563. Disease mechanism: loss of function.
BCKDHA-related disorder. Also called: BCKDHA-related condition.
Maple syrup urine disease type 1A (MSUD1A). Also called: MSUD type 1A. Identifiers: MedGen C1855369, MONDO:0023691, OMIM 248600.

Allele frequency attached by ClinVar (database versions not stated): gnomAD 0.00002; gnomAD exomes 0.00002 and 0.00003; TOPMed 0.00002; ExAC 0.00005.
gnomAD v4.1: 35 of 1,613,452 alleles (0.0022%); highest among the groups gnomAD compares: East Asian, 0.011%; no homozygotes.

Submissions (3):

Labcorp Genetics (formerly Invitae), Labcorp
Classification: Likely benign for Maple syrup urine disease. Last evaluated: 2024-01-05. Review status: criteria provided, single submitter. Criteria: Invitae Variant Classification Sherloc (09022015). Collection method: clinical testing. Allele origin: germline.

PreventionGenetics, part of Exact Sciences
Classification: Likely benign for BCKDHA-related condition. Last evaluated: 2022-02-01. Review status: no assertion criteria provided. Collection method: clinical testing. Allele origin: germline. Not counted in ClinVar's aggregate classification.
Comment: This variant is classified as likely benign based on ACMG/AMP sequence variant interpretation guidelines (Richards et al. 2015 PMID: 25741868, with internal and published modifications).

Natera, Inc.
Classification: Uncertain significance for Maple syrup urine disease type 1A. Last evaluated: 2020-03-10. Review status: no assertion criteria provided. Collection method: clinical testing. Allele origin: germline. Not counted in ClinVar's aggregate classification.

NM_000709.4(BCKDHA):c.1302C>T (p.Tyr434=)

Gene: BCKDHA (branched chain keto acid dehydrogenase E1 subunit alpha; plus strand). Cytogenetic location: 19q13.2.
Variant type: single nucleotide variant.
Coding change: c.1302C>T on transcript NM_000709.4 (MANE Select); coding-DNA position 1302, C replaced by T.
Protein change: p.Tyr434=; no amino-acid change (tyrosine 434 retained).
Molecular consequence: synonymous variant.
Genome position (GRCh38, 1-based): chr19:41,424,572, C>T. VCF-style: chr19-41424572-C-T. GRCh37 (hg19) VCF-style: chr19-41930477-C-T.
Other names: c.1299C>T, p.Tyr433= (NM_001164783.2).
Identifiers: ClinVar variation 794247 (VCV000794247.11), dbSNP rs398123491, ClinGen allele CA9461423.